The following is an entry in ClinVar:

ClinVar aggregate classification (germline): Uncertain significance (1 of 4 stars; one submission).

Conditions:
Mitochondrial complex V (ATP synthase) deficiency, nuclear type 2. Also called: Nuclear-Encoded ATPase Deficiency, TMEM70-Related; ENCEPHALOCARDIOMYOPATHY, MITOCHONDRIAL, NEONATAL, DUE TO ATP SYNTHASE DEFICIENCY; MITOCHONDRIAL COMPLEX V (ATP SYNTHASE) DEFICIENCY, TMEM70 TYPE. Identifiers: Orphanet 1194, MedGen C3279699, MONDO:0013546, OMIM 614052.

Submission:

Labcorp Genetics (formerly Invitae), Labcorp
Classification: Uncertain significance for Mitochondrial complex V (ATP synthase) deficiency, nuclear type 2. Last evaluated: 2022-03-08. Review status: criteria provided, single submitter. Criteria: Invitae Variant Classification Sherloc (09022015). Collection method: clinical testing. Allele origin: germline.
Comment: In summary, the available evidence is currently insufficient to determine the role of this variant in disease. Therefore, it has been classified as a Variant of Uncertain Significance. Algorithms developed to predict the effect of sequence changes on RNA splicing suggest that this variant may create or strengthen a splice site. Algorithms developed to predict the effect of missense changes on protein structure and function (SIFT, PolyPhen-2, Align-GVGD) all suggest that this variant is likely to be tolerated. This variant has not been reported in the literature in individuals affected with TMEM70-related conditions. This variant is not present in population databases (gnomAD no frequency). This sequence change replaces alanine, which is neutral and non-polar, with threonine, which is neutral and polar, at codon 50 of the TMEM70 protein (p.Ala50Thr).

NM_017866.6(TMEM70):c.148G>A (p.Ala50Thr)

Gene: TMEM70 (transmembrane protein 70; plus strand). Cytogenetic location: 8q21.11.
Variant type: single nucleotide variant.
Coding change: c.148G>A on transcript NM_017866.6 (MANE Select); coding-DNA position 148, G replaced by A.
Protein change: p.Ala50Thr; replaces alanine 50 with threonine.
Molecular consequence: missense variant. On other transcripts: non-coding transcript variant (1).
Genome position (GRCh38, 1-based): chr8:73,976,429, G>A. VCF-style: chr8-73976429-G-A. GRCh37 (hg19) VCF-style: chr8-74888664-G-A.
Other names: c.148G>A, p.Ala50Thr (NM_001040613.3); short protein forms A50T.
Identifiers: ClinVar variation 1419251 (VCV001419251.8), dbSNP rs2131231062, ClinGen allele CA371489346.